The following is an entry in ClinVar:

ClinVar aggregate classification (germline): Uncertain significance. Review status: criteria provided, multiple submitters, no conflicts (2 of 4 stars). 2 submissions from 2 submitters: Uncertain significance (2). Last evaluated 2023-12-01.

Conditions:
Wilson disease (WND). Also called: Wilson's disease. Identifiers: Orphanet 905, MedGen C0019202, MONDO:0010200, OMIM 277900. Disease mechanism: loss of function.

Submissions (2):

All of Us Research Program, National Institutes of Health
Classification: Uncertain significance for Wilson disease. Last evaluated: 2023-12-01. Review status: criteria provided, single submitter. Criteria: ACMG Guidelines, 2015. Collection method: clinical testing. Allele origin: germline. Inheritance: Autosomal recessive inheritance. Observed: 2 variant alleles, 2 heterozygotes.
Comment: This missense variant replaces arginine with glycine at codon 1411 of the ATP7B protein. Computational prediction suggests that this variant may not impact protein structure and function (internally defined REVEL score threshold <= 0.5, PMID: 27666373). To our knowledge, functional studies have not been reported for this variant. This variant has not been reported in individuals affected with Wilson disease in the literature. This variant has not been identified in the general population by the Genome Aggregation Database (gnomAD). The available evidence is insufficient to determine the role of this variant in disease conclusively. Therefore, this variant is classified as a Variant of Uncertain Significance.

This study involves interpretation of variants in research participants for the purpose of population health screening. Participant phenotype was not available at the time of variant classification. Additional details can be found in publication PMID: 35346344, PMCID: PMC8962531

Labcorp Genetics (formerly Invitae), Labcorp
Classification: Uncertain significance for Wilson disease. Last evaluated: 2022-08-03. Review status: criteria provided, single submitter. Criteria: Invitae Variant Classification Sherloc (09022015). Collection method: clinical testing. Allele origin: germline.
Comment: This sequence change replaces arginine, which is basic and polar, with glycine, which is neutral and non-polar, at codon 1411 of the ATP7B protein (p.Arg1411Gly). This variant is not present in population databases (gnomAD no frequency). This variant has not been reported in the literature in individuals affected with ATP7B-related conditions. Algorithms developed to predict the effect of missense changes on protein structure and function are either unavailable or do not agree on the potential impact of this missense change (SIFT: "Tolerated"; PolyPhen-2: "Possibly Damaging"; Align-GVGD: "Class C0"). Algorithms developed to predict the effect of sequence changes on RNA splicing suggest that this variant may create or strengthen a splice site. In summary, the available evidence is currently insufficient to determine the role of this variant in disease. Therefore, it has been classified as a Variant of Uncertain Significance.

NM_000053.4(ATP7B):c.4231C>G (p.Arg1411Gly)

Gene: ATP7B (ATPase copper transporting beta; minus strand). Cytogenetic location: 13q14.3.
Variant type: single nucleotide variant.
Coding change: c.4231C>G on transcript NM_000053.4 (MANE Select); coding-DNA position 4231, C replaced by G.
Protein change: p.Arg1411Gly; replaces arginine 1411 with glycine.
Molecular consequence: missense variant.
Genome position (GRCh38, 1-based): chr13:51,934,923, G>C on the plus strand (C>G on the coding strand, the complement: ATP7B is on the minus strand). VCF-style: chr13-51934923-G-C. GRCh37 (hg19) VCF-style: chr13-52509059-G-C.
Other names: c.3610C>G, p.Arg1204Gly (NM_001005918.3); c.3898C>G, p.Arg1300Gly (NM_001243182.2); c.3997C>G, p.Arg1333Gly (NM_001330578.2, NM_001406527.1, NM_001406528.1); c.3979C>G, p.Arg1327Gly (NM_001330579.2, NM_001406531.1, NM_001406532.1); c.4231C>G, p.Arg1411Gly (NM_001406511.1, NM_001406512.1); c.4225C>G, p.Arg1409Gly (NM_001406513.1); c.4198C>G, p.Arg1400Gly (NM_001406514.1); c.4177C>G, p.Arg1393Gly (NM_001406515.1, NM_001406516.1); and 21 more; short protein forms R1204G, R1217G, R1285G, R1343G, R1363G, R981G, R1195G, R1247G.
Identifiers: ClinVar variation 2164224 (VCV002164224.2), dbSNP rs559705781, ClinGen allele CA388019479.
Genomic context (GRCh38, chr13:51,934,923, plus strand): 5'-ACAGCGACACCTGGCTGACATAGCTGACCTGGTCCCATGGTGTGGCCCTGGGGGAGTCCC[G>C]CCACCTGTCATCCATGCCTATGTGCACACTGACCTGGGATGCCGTCAGGGGCTTCATGTG-3'
Protein context (NP_000044.2, residues 1401-1421): SVHIGMDDRW[Arg1411Gly]DSPRATPWDQ